The following is an entry in ClinVar:

NM_001110556.2(FLNA):c.755T>G (p.Val252Gly)

Gene: FLNA (filamin A; minus strand). Cytogenetic location: Xq28.
Variant type: single nucleotide variant.
Coding change: c.755T>G on transcript NM_001110556.2 (MANE Select); coding-DNA position 755, T replaced by G.
Protein change: p.Val252Gly; replaces valine 252 with glycine.
Molecular consequence: missense variant.
Genome position (GRCh38, 1-based): chrX:154,367,510, A>C on the plus strand (T>G on the coding strand, the complement: FLNA is on the minus strand). VCF-style: chrX-154367510-A-C. GRCh37 (hg19) VCF-style: chrX-153595878-A-C.
Other names: c.755T>G, p.Val252Gly (NM_001456.4); short protein forms V252G.
Identifiers: ClinVar variation 4852687 (VCV004852687.2).

ClinVar aggregate classification (germline): Uncertain significance (1 of 4 stars; one submission).

Submission:

Dasa
Classification: Uncertain significance. Last evaluated: 2025-12-12. Review status: criteria provided, single submitter. Criteria: DASA Assertion Criteria. Collection method: clinical testing. Allele origin: germline.
Comment: NM_001110556.2(FLNA):c.755T>G (p.Val252Gly) is a missense variant that results in the substitution of valine with glycine. This variant is rare in population databases. Computational prediction algorithms are consistent with a deleterious effect. The currently available literature and clinical evidence are not sufficient to establish a definitive association between this variant and the reported condition. Therefore, this variant is classified as a variant of uncertain significance.